The following is an entry in ClinVar:

ClinVar aggregate classification (germline): Uncertain significance (1 of 4 stars; one submission).

Conditions:
Cardiovascular phenotype. Identifiers: MedGen CN230736.

Submission:

Ambry Genetics
Classification: Uncertain significance for Cardiovascular phenotype. Last evaluated: 2023-06-16. Review status: criteria provided, single submitter. Criteria: Ambry Variant Classification Scheme 2023. Collection method: clinical testing. Allele origin: germline.
Comment: The p.L2012V variant (also known as c.6034C>G), located in coding exon 44 of the ABCA1 gene, results from a C to G substitution at nucleotide position 6034. The leucine at codon 2012 is replaced by valine, an amino acid with highly similar properties. This amino acid position is conserved. In addition, the in silico prediction for this alteration is inconclusive. Since supporting evidence is limited at this time, the clinical significance of this alteration remains unclear.

NM_005502.4(ABCA1):c.6034C>G (p.Leu2012Val)

Genes: ABCA1 (ATP binding cassette subfamily A member 1; minus strand), NIPSNAP3B (nipsnap homolog 3B; plus strand). Cytogenetic location: 9q31.1.
Variant type: single nucleotide variant.
Coding change: c.6034C>G on transcript NM_005502.4 (MANE Select); coding-DNA position 6034, C replaced by G.
Protein change: p.Leu2012Val; replaces leucine 2012 with valine.
Molecular consequence: missense variant.
Genome position (GRCh38, 1-based): chr9:104,788,461, G>C on the plus strand (C>G on the coding strand, the complement: ABCA1 is on the minus strand). VCF-style: chr9-104788461-G-C. GRCh37 (hg19) VCF-style: chr9-107550742-G-C.
Other names: short protein forms L2012V.
Identifiers: ClinVar variation 2299205 (VCV002299205.2), dbSNP rs2538038298, ClinGen allele CA374307733.